The following is an entry in ClinVar:

ClinVar aggregate classification (germline): Uncertain significance. Review status: criteria provided, multiple submitters, no conflicts (2 of 4 stars). 2 submissions from 2 submitters: Uncertain significance (2). Last evaluated 2024-06-13.

Conditions:
Familial cancer of breast. Also called: hereditary breast carcinoma; Hereditary breast cancer; BREAST CANCER, FAMILIAL. Identifiers: Orphanet 227535, MedGen C0346153, MONDO:0016419, OMIM 114480. Disease mechanism: loss of function.

Submissions (2):

Labcorp Genetics (formerly Invitae), Labcorp
Classification: Uncertain significance for Familial cancer of breast. Last evaluated: 2024-06-13. Review status: criteria provided, single submitter. Criteria: Invitae Variant Classification Sherloc (09022015). Collection method: clinical testing. Allele origin: germline.
Comment: This sequence change replaces cysteine, which is neutral and slightly polar, with tyrosine, which is neutral and polar, at codon 243 of the BARD1 protein (p.Cys243Tyr). This variant is not present in population databases (gnomAD no frequency). This variant has not been reported in the literature in individuals affected with BARD1-related conditions. ClinVar contains an entry for this variant (Variation ID: 975003). An algorithm developed to predict the effect of missense changes on protein structure and function (PolyPhen-2) suggests that this variant is likely to be disruptive. In summary, the available evidence is currently insufficient to determine the role of this variant in disease. Therefore, it has been classified as a Variant of Uncertain Significance.

Women's Health and Genetics/Laboratory Corporation of America, LabCorp
Classification: Uncertain significance. Last evaluated: 2020-07-16. Review status: criteria provided, single submitter. Criteria: LabCorp Variant Classification Summary - May 2015. Collection method: clinical testing. Allele origin: germline.
Comment: Variant summary: BARD1 c.728G>A (p.Cys243Tyr) results in a non-conservative amino acid change in the encoded protein sequence. Four of five in-silico tools predict a damaging effect of the variant on protein function. The variant was absent in 216054 control chromosomes (gnomAD). The available data on variant occurrences in the general population are insufficient to allow any conclusion about variant significance. To our knowledge, no occurrence of c.728G>A in individuals affected with Breast Cancer and no experimental evidence demonstrating its impact on protein function have been reported. No clinical diagnostic laboratories have submitted clinical-significance assessments for this variant to ClinVar after 2014. Based on the evidence outlined above, the variant was classified as uncertain significance.

NM_000465.4(BARD1):c.728G>A (p.Cys243Tyr)

Gene: BARD1 (BRCA1 associated RING domain 1; minus strand). Cytogenetic location: 2q35.
Variant type: single nucleotide variant.
Coding change: c.728G>A on transcript NM_000465.4 (MANE Select); coding-DNA position 728, G replaced by A.
Protein change: p.Cys243Tyr; replaces cysteine 243 with tyrosine.
Molecular consequence: missense variant. On other transcripts: non-coding transcript variant (2), intron variant (3).
Genome position (GRCh38, 1-based): chr2:214,781,146, C>T on the plus strand (G>A on the coding strand, the complement: BARD1 is on the minus strand). VCF-style: chr2-214781146-C-T. GRCh37 (hg19) VCF-style: chr2-215645870-C-T.
Other names: c.671G>A, p.Cys224Tyr (NM_001282543.2); c.158+28266G>A (NM_001282548.2); c.215+15915G>A (NM_001282545.2); c.364+11151G>A (NM_001282549.2); short protein forms C224Y, C243Y.
Identifiers: ClinVar variation 975003 (VCV000975003.4), dbSNP rs767432527, ClinGen allele CA350456208.